The following is an entry in ClinVar:

NM_153365.3(TAPT1):c.1468T>G (p.Ser490Ala)

Gene: TAPT1 (transmembrane anterior posterior transformation 1; minus strand). Cytogenetic location: 4p15.32.
Variant type: single nucleotide variant.
Coding change: c.1468T>G on transcript NM_153365.3 (MANE Select); coding-DNA position 1468, T replaced by G.
Protein change: p.Ser490Ala; replaces serine 490 with alanine.
Molecular consequence: missense variant.
Genome position (GRCh38, 1-based): chr4:16,166,639, A>C on the plus strand (T>G on the coding strand, the complement: TAPT1 is on the minus strand). VCF-style: chr4-16166639-A-C. GRCh37 (hg19) VCF-style: chr4-16168262-A-C.
Other names: c.1468T>G (NM_153365.2); short protein forms S490A.
Identifiers: ClinVar variation 1443191 (VCV001443191.7), dbSNP rs369049796, ClinGen allele CA2867279.

ClinVar aggregate classification (germline): Uncertain significance. Review status: criteria provided, multiple submitters, no conflicts (2 of 4 stars). 2 submissions from 2 submitters: Uncertain significance (2). Last evaluated 2024-08-12.

Conditions:
Inborn genetic diseases. Identifiers: MedGen C0950123, MeSH D030342.

Allele frequency attached by ClinVar (database versions not stated): gnomAD exomes 0.00001 and 0.00003; ExAC 0.00002; ESP Exome Variant Server 0.00008; gnomAD 0.00021 and 0.00023.

Submissions (2):

Ambry Genetics
Classification: Uncertain significance for Inborn genetic diseases. Last evaluated: 2024-08-12. Review status: criteria provided, single submitter. Criteria: Ambry Variant Classification Scheme 2023. Collection method: clinical testing. Allele origin: germline.

Labcorp Genetics (formerly Invitae), Labcorp
Classification: Uncertain significance. Last evaluated: 2022-04-20. Review status: criteria provided, single submitter. Criteria: Invitae Variant Classification Sherloc (09022015). Collection method: clinical testing. Allele origin: germline.
Comment: This sequence change replaces serine, which is neutral and polar, with alanine, which is neutral and non-polar, at codon 490 of the TAPT1 protein (p.Ser490Ala). This variant is present in population databases (rs369049796, gnomAD 0.05%). This variant has not been reported in the literature in individuals affected with TAPT1-related conditions. Algorithms developed to predict the effect of missense changes on protein structure and function (SIFT, PolyPhen-2, Align-GVGD) all suggest that this variant is likely to be tolerated. In summary, the available evidence is currently insufficient to determine the role of this variant in disease. Therefore, it has been classified as a Variant of Uncertain Significance.